The following is an entry in ClinVar:

NM_018834.6(MATR3):c.2148+3A>G

Genes: MATR3 (matrin 3; plus strand), LOC126807526 (CDK7 strongly-dependent group 2 enhancer GRCh37_chr5:138657767-138658966; plus strand). Cytogenetic location: 5q31.2.
Variant type: single nucleotide variant.
Coding change: c.2148+3A>G on transcript NM_018834.6 (MANE Select); 3 bases into the intron after coding-DNA position 2148, A replaced by G.
Molecular consequence: intron variant.
Genome position (GRCh38, 1-based): chr5:139,322,970, A>G. VCF-style: chr5-139322970-A-G. GRCh37 (hg19) VCF-style: chr5-138658659-A-G.
Other names: c.2148+3A>G (NM_001400444.1, NM_001400448.1, NM_001400442.1 and 16 more transcripts); c.1134+3A>G (NM_001400463.1, NM_001400460.1, NM_001282278.2 and 5 more transcripts); c.1248+3A>G (NM_001400461.1); c.1284+3A>G (NM_001194956.2); c.1287+3A>G (NM_001400459.1).
Identifiers: ClinVar variation 2898736 (VCV002898736.3), dbSNP rs201787308, ClinGen allele CA3433315.

ClinVar aggregate classification (germline): Uncertain significance (1 of 4 stars; one submission).

Conditions:
Amyotrophic lateral sclerosis type 21. Also called: MYOPATHY, DISTAL, 2; VOCAL CORD AND PHARYNGEAL DYSFUNCTION WITH DISTAL MYOPATHY. Identifiers: Orphanet 600, Orphanet 803, MedGen C3807521, MONDO:0011632, OMIM 606070.

Allele frequency attached by ClinVar (database versions not stated): gnomAD exomes 0.00001; TOPMed 0.00002; gnomAD 0.00003; ExAC 0.00011; 1000 Genomes Project 0.00060.
gnomAD v4.1: 12 of 1,553,210 alleles (0.00077%); highest among the groups gnomAD compares: African/African-American, 0.016%; no homozygotes.

Submission:

Labcorp Genetics (formerly Invitae), Labcorp
Classification: Uncertain significance for Amyotrophic lateral sclerosis type 21. Last evaluated: 2022-12-15. Review status: criteria provided, single submitter. Criteria: Invitae Variant Classification Sherloc (09022015). Collection method: clinical testing. Allele origin: germline.
Comment: This sequence change falls in intron 15 of the MATR3 gene. It does not directly change the encoded amino acid sequence of the MATR3 protein. It affects a nucleotide within the consensus splice site. The frequency data for this variant in the population databases is considered unreliable, as metrics indicate poor data quality at this position in the gnomAD database. This variant has not been reported in the literature in individuals affected with MATR3-related conditions. Variants that disrupt the consensus splice site are a relatively common cause of aberrant splicing (PMID: 17576681, 9536098). Algorithms developed to predict the effect of sequence changes on RNA splicing suggest that this variant is not likely to affect RNA splicing. In summary, the available evidence is currently insufficient to determine the role of this variant in disease. Therefore, it has been classified as a Variant of Uncertain Significance.

Literature cited by the submitters: PubMed 17576681; PubMed 9536098.